The following is an entry in ClinVar:

NM_001267550.2(TTN):c.102206A>G (p.Gln34069Arg)

Genes: TTN (titin; minus strand), TTN-AS1 (TTN antisense RNA 1; plus strand). Cytogenetic location: 2q31.2.
Variant type: single nucleotide variant.
Coding change: c.102206A>G on transcript NM_001267550.2 (MANE Select); coding-DNA position 102206, A replaced by G.
Protein change: p.Gln34069Arg; replaces glutamine 34069 with arginine.
Molecular consequence: missense variant.
Genome position (GRCh38, 1-based): chr2:178,534,409, T>C on the plus strand (A>G on the coding strand, the complement: TTN is on the minus strand). VCF-style: chr2-178534409-T-C. GRCh37 (hg19) VCF-style: chr2-179399136-T-C.
Other names: c.97283A>G, p.Gln32428Arg (NM_001256850.1); c.75011A>G, p.Gln25004Arg (NM_003319.4); c.94502A>G, p.Gln31501Arg (NM_133378.4); c.75386A>G, p.Gln25129Arg (NM_133432.3); c.75587A>G, p.Gln25196Arg (NM_133437.4); short protein forms Q25004R, Q25129R, Q25196R, Q31501R, Q32428R, Q34069R.
Identifiers: ClinVar variation 1163223 (VCV001163223.8), dbSNP rs780466011, ClinGen allele CA1985791.
Genomic context (GRCh38, chr2:178,534,409, plus strand): 5'-TTTAATGTTCTGATAACTTTAGTACTGACTCTTTCTATCTTCTGCTTCAACCATGGGTGC[T>C]GGAGAGCCTCCGATGCTGTCATGCGAGATTTCCTCTCTTTCACTAACAACCGGTCAACAA-3'
Protein context (NP_001254479.2, residues 34059-34079): KSRMTASEAL[Gln34069Arg]HPWLKQKIER

ClinVar aggregate classification (germline): Conflicting classifications of pathogenicity. Review status: criteria provided, conflicting classifications (1 of 4 stars). 3 submissions from 3 submitters: Uncertain significance (2); Likely benign (1). Last evaluated 2025-07-24.

Conditions:
Cardiovascular phenotype. Identifiers: MedGen CN230736.

Allele frequency attached by ClinVar (database versions not stated): ExAC 0.00002; gnomAD exomes 0.00001 and below 0.00001.
gnomAD v4.1: 3 of 1,611,500 alleles (0.00019%); highest among the groups gnomAD compares: Non-Finnish European, 0.00025%; no homozygotes.

Submissions (3):

Molecular Diagnostic Laboratory for Inherited Cardiovascular Disease, Montreal Heart Institute
Classification: Likely benign. Last evaluated: 2025-07-24. Review status: criteria provided, single submitter. Criteria: ACMG Guidelines, 2015. Collection method: clinical testing. Allele origin: germline. Affected: no.
Comment: BP1

Mayo Clinic Laboratories, Mayo Clinic
Classification: Uncertain significance. Last evaluated: 2019-08-19. Review status: criteria provided, single submitter. Criteria: ACMG Guidelines, 2015. Collection method: clinical testing. Allele origin: germline. Observed: 1 variant allele.

Ambry Genetics
Classification: Uncertain significance for Cardiovascular phenotype. Last evaluated: 2019-07-16. Review status: criteria provided, single submitter. Criteria: Ambry Variant Classification Scheme 2023. Collection method: clinical testing. Allele origin: germline.
Comment: The p.Q25004R variant (also known as c.75011A>G), located in coding exon 185 of the TTN gene, results from an A to G substitution at nucleotide position 75011. The glutamine at codon 25004 is replaced by arginine, an amino acid with highly similar properties. This amino acid position is not well conserved in available vertebrate species. In addition, this alteration is predicted to be tolerated by in silico analysis. Since supporting evidence is limited at this time, the clinical significance of this alteration remains unclear.